The following is an entry in ClinVar:

ClinVar aggregate classification (germline): Uncertain significance (1 of 4 stars; one submission).

gnomAD v4.1: 1 of 1,610,554 alleles (0.000062%); no homozygotes.

Submission:

GeneDx
Classification: Uncertain significance. Last evaluated: 2023-02-14. Review status: criteria provided, single submitter. Criteria: GeneDx Variant Classification Process June 2021. Collection method: clinical testing. Allele origin: germline. Affected: yes.
Comment: Not observed at significant frequency in large population cohorts (gnomAD); In silico analysis supports that this missense variant has a deleterious effect on protein structure/function; Has not been previously published as pathogenic or benign to our knowledge

NM_017934.7(PHIP):c.2921A>G (p.Tyr974Cys)

Genes: IRAK1BP1 (interleukin 1 receptor associated kinase 1 binding protein 1; plus strand), PHIP (PHIP subunit of CUL4-Ring ligase complex; minus strand). Cytogenetic location: 6q14.1.
Variant type: single nucleotide variant.
Coding change: c.2921A>G on transcript NM_017934.7 (MANE Select); coding-DNA position 2921, A replaced by G.
Protein change: p.Tyr974Cys; replaces tyrosine 974 with cysteine.
Molecular consequence: missense variant.
Genome position (GRCh38, 1-based): chr6:78,970,857, T>C on the plus strand (A>G on the coding strand, the complement: PHIP is on the minus strand). VCF-style: chr6-78970857-T-C. GRCh37 (hg19) VCF-style: chr6-79680574-T-C.
Other names: short protein forms Y974C.
Identifiers: ClinVar variation 2575557 (VCV002575557.1), dbSNP rs1381080974, ClinGen allele CA364648370.